The following is an entry in ClinVar:

ClinVar aggregate classification (germline): Uncertain significance. Review status: criteria provided, multiple submitters, no conflicts (2 of 4 stars). 3 submissions from 3 submitters: Uncertain significance (3). Last evaluated 2021-08-31.

Conditions:
Inborn genetic diseases. Identifiers: MedGen C0950123, MeSH D030342.
Developmental and epileptic encephalopathy, 12 (DEE12). Identifiers: MedGen C3150988, MONDO:0013389, OMIM 613722.

Allele frequency attached by ClinVar (database versions not stated): gnomAD 0.00001 and 0.00002; gnomAD exomes 0.00002 and 0.00007; TOPMed 0.00002; ExAC 0.00003.
gnomAD v4.1: 101 of 1,612,646 alleles (0.0063%); highest among the groups gnomAD compares: Non-Finnish European, 0.0082%; no homozygotes.

Submissions (3):

Labcorp Genetics (formerly Invitae), Labcorp
Classification: Uncertain significance for Developmental and epileptic encephalopathy, 12. Last evaluated: 2021-08-31. Review status: criteria provided, single submitter. Criteria: Invitae Variant Classification Sherloc (09022015). Collection method: clinical testing. Allele origin: germline.
Comment: This sequence change replaces leucine with valine at codon 11 of the PLCB1 protein (p.Leu11Val). The leucine residue is weakly conserved and there is a small physicochemical difference between leucine and valine. This variant is present in population databases (rs759794686, ExAC 0.01%). This variant has not been reported in the literature in individuals affected with PLCB1-related conditions. Algorithms developed to predict the effect of missense changes on protein structure and function (SIFT, PolyPhen-2, Align-GVGD) all suggest that this variant is likely to be tolerated. In summary, the available evidence is currently insufficient to determine the role of this variant in disease. Therefore, it has been classified as a Variant of Uncertain Significance.

Illumina Laboratory Services, Illumina
Classification: Uncertain significance for Developmental and epileptic encephalopathy, 12. Last evaluated: 2018-01-12. Review status: criteria provided, single submitter. Criteria: ICSL Variant Classification Criteria 13 December 2019. Collection method: clinical testing. Allele origin: germline.

Ambry Genetics
Classification: Uncertain significance for Inborn genetic diseases. Last evaluated: 2017-09-06. Review status: criteria provided, single submitter. Criteria: Ambry Variant Classification Scheme 2023. Collection method: clinical testing. Allele origin: germline.
Comment: The p.L11V variant (also known as c.31T>G), located in coding exon 1 of the PLCB1 gene, results from a T to G substitution at nucleotide position 31. The leucine at codon 11 is replaced by valine, an amino acid with highly similar properties. This amino acid position is highly conserved in available vertebrate species. In addition, this alteration is predicted to be tolerated by in silico analysis. Since supporting evidence is limited at this time, the clinical significance of this alteration remains unclear.

NM_015192.4(PLCB1):c.31T>G (p.Leu11Val)

Gene: PLCB1 (phospholipase C beta 1; plus strand). Cytogenetic location: 20p12.3.
Variant type: single nucleotide variant.
Coding change: c.31T>G on transcript NM_015192.4 (MANE Select); coding-DNA position 31, T replaced by G.
Protein change: p.Leu11Val; replaces leucine 11 with valine.
Molecular consequence: missense variant.
Genome position (GRCh38, 1-based): chr20:8,132,682, T>G. VCF-style: chr20-8132682-T-G. GRCh37 (hg19) VCF-style: chr20-8113329-T-G.
Other names: c.31T>G, p.Leu11Val (NM_182734.3); short protein forms L11V.
Identifiers: ClinVar variation 898461 (VCV000898461.12), dbSNP rs759794686, ClinGen allele CA9759519.